The following is an entry in ClinVar:

NM_000081.4(LYST):c.9233G>A (p.Arg3078His)

Gene: LYST (lysosomal trafficking regulator; minus strand). Cytogenetic location: 1q42.3.
Variant type: single nucleotide variant.
Coding change: c.9233G>A on transcript NM_000081.4 (MANE Select); coding-DNA position 9233, G replaced by A.
Protein change: p.Arg3078His; replaces arginine 3078 with histidine.
Molecular consequence: missense variant.
Genome position (GRCh38, 1-based): chr1:235,724,110, C>T on the plus strand (G>A on the coding strand, the complement: LYST is on the minus strand). VCF-style: chr1-235724110-C-T. GRCh37 (hg19) VCF-style: chr1-235887410-C-T.
Other names: c.9233G>A (NM_000081.2); c.9233G>A, p.Arg3078His (NM_001301365.1); short protein forms R3078H.
Identifiers: ClinVar variation 2433549 (VCV002433549.5), dbSNP rs764697537, ClinGen allele CA39605038.
Genomic context (GRCh38, chr1:235,724,110, plus strand): 5'-AGGAGTGTTCTGCCATTTGTTAGAAAGATTTCTACAGCATTATCTCTCAATTGCCACCAA[C>T]GCTTGTGAACTTCTTTAATTTCTTCATATGTCCAGGAAAATGATGCTGGTTCCAACTCTC-3'
Protein context (NP_000072.2, residues 3068-3088): TYEEIKEVHK[Arg3078His]WWQLRDNAVE

ClinVar aggregate classification (germline): Uncertain significance. Review status: criteria provided, multiple submitters, no conflicts (2 of 4 stars). 3 submissions from 3 submitters: Uncertain significance (3). Last evaluated 2025-11-01.

Conditions:
Chédiak-Higashi syndrome (CHS). Also called: Chediak-Higashi Syndrome. Identifiers: Orphanet 167, MedGen C0007965, MONDO:0008963, OMIM 214500.

Allele frequency attached by ClinVar (database versions not stated): gnomAD exomes below 0.00001; TOPMed 0.00001.
gnomAD v4.1: 6 of 1,613,404 alleles (0.00037%); highest among the groups gnomAD compares: Non-Finnish European, 0.00042%; no homozygotes.

Submissions (3):

Labcorp Genetics (formerly Invitae), Labcorp
Classification: Uncertain significance for Chédiak-Higashi syndrome. Last evaluated: 2025-11-01. Review status: criteria provided, single submitter. Criteria: Invitae Variant Classification Sherloc (09022015). Collection method: clinical testing. Allele origin: germline.
Comment: This sequence change replaces arginine, which is basic and polar, with histidine, which is basic and polar, at codon 3078 of the LYST protein (p.Arg3078His). This variant is not present in population databases (gnomAD no frequency). This variant has not been reported in the literature in individuals affected with LYST-related conditions. ClinVar contains an entry for this variant (Variation ID: 2433549). Invitae Evidence Modeling of protein sequence and biophysical properties (such as structural, functional, and spatial information, amino acid conservation, physicochemical variation, residue mobility, and thermodynamic stability) indicates that this missense variant is expected to disrupt LYST protein function with a positive predictive value of 80%. In summary, the available evidence is currently insufficient to determine the role of this variant in disease. Therefore, it has been classified as a Variant of Uncertain Significance.

GeneDx
Classification: Uncertain significance. Last evaluated: 2023-01-24. Review status: criteria provided, single submitter. Criteria: GeneDx Variant Classification Process June 2021. Collection method: clinical testing. Allele origin: germline. Affected: yes.
Comment: Not observed at significant frequency in large population cohorts (gnomAD); In silico analysis supports that this missense variant has a deleterious effect on protein structure/function; Has not been previously published as pathogenic or benign to our knowledge

Revvity Omics, Revvity
Classification: Uncertain significance for Chédiak-Higashi syndrome. Last evaluated: 2019-06-26. Review status: criteria provided, single submitter. Criteria: ACMG Guidelines, 2015. Collection method: clinical testing. Allele origin: germline.